The following is an entry in ClinVar:

ClinVar aggregate classification (germline): Pathogenic. Review status: criteria provided, single submitter (1 of 4 stars). 2 submissions from 2 submitters: Pathogenic (1). 1 of the submissions does not count toward it. Last evaluated 2025-12-02.

Conditions:
Cone-rod dystrophy with or without extraocular features.
RETINITIS PIGMENTOSA 108 (RP108). Identifiers: MedGen CN382137, OMIM 621637.

Submissions (2):

Ophthalmic Genetics Group, Institute of Molecular and Clinical Ophthalmology Basel
Classification: Pathogenic for Cone-rod dystrophy with or without extraocular features. Last evaluated: 2025-12-02. Review status: criteria provided, single submitter. Criteria: ACMG Guidelines, 2015. Collection method: research. Allele origin: germline. Affected: yes. Observed: 2 variant alleles.
Comment: This frameshift deletion introduces a premature termination codon and likely results in nonsense-mediated mRNA decay. This variant has a low population frequency based on gnomAD v4.1. It was identified in two affected individuals with cone-rod dystrophy, with T2DM, in compound heterozygous state with another SAXO6 startloss variant. Therefore, it was classified as Pathogenic based on ACMG criteria: PVS1, PM2_sup, PP1_mod.

OMIM
Classification: Pathogenic for RETINITIS PIGMENTOSA 108. Last evaluated: 2026-06-29. Review status: no assertion criteria provided. Collection method: literature only. Allele origin: germline. Not counted in ClinVar's aggregate classification.

Literature cited by the submitters: PubMed 41742423 (cited by Ophthalmic Genetics Group, Institute of Molecular and Clinical Ophthalmology Basel and OMIM).

NM_001354969.2(SAXO6):c.1038del (p.Glu348fs)

Gene: SAXO6 (stabilizer of axonemal microtubules 6; minus strand). Cytogenetic location: 12q15.
Variant type: Deletion.
Coding change: c.1038del on transcript NM_001354969.2 (MANE Select); coding-DNA position 1038, one base deleted (T; older notation c.1038delT).
Protein change: p.Glu348fs; shifts the reading frame from glutamic acid 348.
Molecular consequence: frameshift variant.
Genome position (GRCh38, 1-based): chr12:68,316,251, A deleted on the plus strand (T on the coding strand, the reverse complement: SAXO6 is on the minus strand); the first of 2 consecutive A bases (chr12:68,316,251-68,316,252); deleting either gives the same sequence. VCF-style (leftmost placement, unchanged base first): chr12-68316250-TA-T. GRCh37 (hg19) VCF-style: chr12-68710030-TA-T.
Other names: NC_000012.12:g.68316252del I NP_001341898.1:p.(Glu348AsnfsTer23); c.903del, p.Glu303fs (NM_001205028.3); c.888del, p.Glu298fs (NM_001354970.2); c.198del, p.Glu68fs (NM_001354971.2, NM_001354972.2, NM_001354973.2 and 1 more transcripts); c.168del, p.Glu58fs (NM_001354974.2); c.1008del, p.Glu338fs (NM_017440.6); short protein forms E298fs, E303fs, E338fs, E348fs, E58fs, E68fs.
Identifiers: ClinVar variation 4813668 (VCV004813668.2).